The following is an entry in ClinVar:

NM_004186.5(SEMA3F):c.115C>T (p.Leu39=)

Gene: SEMA3F (semaphorin 3F; plus strand). Cytogenetic location: 3p21.31.
Variant type: single nucleotide variant.
Coding change: c.115C>T on transcript NM_004186.5 (MANE Select); coding-DNA position 115, C replaced by T.
Protein change: p.Leu39=; no amino-acid change (leucine 39 retained).
Molecular consequence: synonymous variant. On other transcripts: 5 prime UTR variant (1).
Genome position (GRCh38, 1-based): chr3:50,173,795, C>T. VCF-style: chr3-50173795-C-T. GRCh37 (hg19) VCF-style: chr3-50211228-C-T.
Other names: c.-90C>T (NM_001318798.2); c.115C>T, p.Leu39= (NM_001318800.2).
Identifiers: ClinVar variation 4978797 (VCV004978797.1).

ClinVar aggregate classification (germline): Likely benign (1 of 4 stars; one submission).

Conditions:
SEMA3F-related disorder. Also called: SEMA3F-related condition.

Submission:

PreventionGenetics, part of Exact Sciences
Classification: Likely benign for SEMA3F-related condition. Last evaluated: 2025-03-26. Review status: criteria provided, single submitter. Criteria: ACMG Guidelines, 2015. Collection method: clinical testing. Allele origin: germline.
Comment: This variant is classified as likely benign based on ACMG/AMP sequence variant interpretation guidelines (Richards et al. 2015 PMID: 25741868, with internal and published modifications).